The following is an entry in ClinVar:

ClinVar aggregate classification (germline): Uncertain significance (1 of 4 stars; one submission).

gnomAD v4.1: 1 of 1,606,220 alleles (0.000062%); highest among the groups gnomAD compares: Non-Finnish European, 0.000085%; no homozygotes.

Submission:

Labcorp Genetics (formerly Invitae), Labcorp
Classification: Uncertain significance. Last evaluated: 2024-06-26. Review status: criteria provided, single submitter. Criteria: Invitae Variant Classification Sherloc (09022015). Collection method: clinical testing. Allele origin: germline.
Comment: This sequence change replaces valine, which is neutral and non-polar, with alanine, which is neutral and non-polar, at codon 427 of the JAK1 protein (p.Val427Ala). This variant is not present in population databases (gnomAD no frequency). This variant has not been reported in the literature in individuals affected with JAK1-related conditions. Advanced modeling of protein sequence and biophysical properties (such as structural, functional, and spatial information, amino acid conservation, physicochemical variation, residue mobility, and thermodynamic stability) performed at Invitae indicates that this missense variant is expected to disrupt JAK1 protein function with a positive predictive value of 80%. In summary, the available evidence is currently insufficient to determine the role of this variant in disease. Therefore, it has been classified as a Variant of Uncertain Significance.

NM_002227.4(JAK1):c.1280T>C (p.Val427Ala)

Gene: JAK1 (Janus kinase 1; minus strand). Cytogenetic location: 1p31.3.
Variant type: single nucleotide variant.
Coding change: c.1280T>C on transcript NM_002227.4 (MANE Select); coding-DNA position 1280, T replaced by C.
Protein change: p.Val427Ala; replaces valine 427 with alanine.
Molecular consequence: missense variant.
Genome position (GRCh38, 1-based): chr1:64,860,159, A>G on the plus strand (T>C on the coding strand, the complement: JAK1 is on the minus strand). VCF-style: chr1-64860159-A-G. GRCh37 (hg19) VCF-style: chr1-65325842-A-G.
Other names: c.1280T>C, p.Val427Ala (NM_001320923.2, NM_001321852.2, NM_001321853.2 and 4 more transcripts); short protein forms V427A.
Identifiers: ClinVar variation 3693327 (VCV003693327.2).